The following is an entry in ClinVar:

NM_004453.4(ETFDH):c.34+7G>A

Gene: ETFDH (electron transfer flavoprotein dehydrogenase; plus strand). Cytogenetic location: 4q32.1.
Variant type: single nucleotide variant.
Coding change: c.34+7G>A on transcript NM_004453.4 (MANE Select); 7 bases into the intron after coding-DNA position 34, G replaced by A.
Molecular consequence: intron variant.
Genome position (GRCh38, 1-based): chr4:158,672,497, G>A. VCF-style: chr4-158672497-G-A. GRCh37 (hg19) VCF-style: chr4-159593649-G-A.
Other names: c.34+7G>A (NM_001281737.2).
Identifiers: ClinVar variation 515745 (VCV000515745.7), dbSNP rs1436016069, ClinGen allele CA555632561.

ClinVar aggregate classification (germline): Likely benign. Review status: criteria provided, multiple submitters, no conflicts (2 of 4 stars). 3 submissions from 3 submitters: Likely benign (3). Last evaluated 2024-07-16.

Conditions:
Multiple acyl-CoA dehydrogenase deficiency (MADD). Also called: Glutaric aciduria, type 2; ETHYLMALONIC-ADIPICACIDURIA; GA II; Glutaric acidemia type II; GA 2; Glutaric Acidemia type 2. Identifiers: Orphanet 26791, MedGen C0268596, MONDO:0009282, OMIM 231680.

Allele frequency attached by ClinVar (database versions not stated): gnomAD 0.00001; gnomAD exomes 0.00001 and 0.00002; TOPMed 0.00001.
gnomAD v4.1: 14 of 1,614,022 alleles (0.00087%); highest among the groups gnomAD compares: Non-Finnish European, 0.0011%; 1 homozygote.

Submissions (3):

Blueprint Genetics
Classification: Likely benign. Last evaluated: 2024-07-16. Review status: criteria provided, single submitter. Criteria: ACMG Guidelines, 2015. Collection method: clinical testing. Allele origin: germline.

Labcorp Genetics (formerly Invitae), Labcorp
Classification: Likely benign for Multiple acyl-CoA dehydrogenase deficiency. Last evaluated: 2024-03-08. Review status: criteria provided, single submitter. Criteria: Invitae Variant Classification Sherloc (09022015). Collection method: clinical testing. Allele origin: germline.

GeneDx
Classification: Likely benign. Last evaluated: 2018-03-02. Review status: criteria provided, single submitter. Criteria: GeneDx Variant Classification (06012015). Collection method: clinical testing. Allele origin: germline. Affected: yes.
Comment: This variant is considered likely benign or benign based on one or more of the following criteria: it is a conservative change, it occurs at a poorly conserved position in the protein, it is predicted to be benign by multiple in silico algorithms, and/or has population frequency not consistent with disease.